The following is an entry in ClinVar:

ClinVar aggregate classification (germline): Conflicting classifications of pathogenicity. Review status: criteria provided, conflicting classifications (1 of 4 stars). 10 submissions from 10 submitters: Uncertain significance (1); Likely benign (7). 2 of the submissions do not count toward it. Last evaluated 2025-12-07.

Conditions:
Cardiovascular phenotype. Identifiers: MedGen CN230736.
Familial hypercholesterolemia. Also called: Familial hypercholesterolemias; Familial hypercholesterolaemia. Identifiers: MedGen C0020445, MONDO:0005439.
Hypercholesterolemia, autosomal dominant, 3 (FHCL3). Also called: Familial Hypercholesterolemia, Autosomal Dominant, 3; PCSK9-Related Familial Hypercholesterolemia, Autosomal Dominant; Familial hypercholesterolemia 3. Identifiers: MedGen C1863551, MONDO:0011369, OMIM 603776.

Allele frequency attached by ClinVar (database versions not stated): gnomAD exomes 0.00006 and 0.00009; ExAC 0.00015; ESP Exome Variant Server 0.00038; 1000 Genomes Project 0.00040; 1000 Genomes Project 30x 0.00047; gnomAD 0.00050 and 0.00055; TOPMed 0.00064.
gnomAD v4.1: 173 of 1,609,746 alleles (0.011%); highest among the groups gnomAD compares: African/African-American, 0.2%; no homozygotes.

Submissions (10):

Labcorp Genetics (formerly Invitae), Labcorp
Classification: Likely benign for Hypercholesterolemia, autosomal dominant, 3. Last evaluated: 2025-12-07. Review status: criteria provided, single submitter. Criteria: Invitae Variant Classification Sherloc (09022015). Collection method: clinical testing. Allele origin: germline.

GeneDx
Classification: Uncertain significance. Last evaluated: 2025-10-27. Review status: criteria provided, single submitter. Criteria: GeneDx Variant Classification Process June 2021. Collection method: clinical testing. Allele origin: germline. Affected: yes.
Comment: In silico analysis suggests that this missense variant does not alter protein structure/function; Has not been previously published as pathogenic or benign to our knowledge

Blueprint Genetics
Classification: Likely benign. Last evaluated: 2024-11-25. Review status: criteria provided, single submitter. Criteria: ACMG Guidelines, 2015. Collection method: clinical testing. Allele origin: germline.

All of Us Research Program, National Institutes of Health
Classification: Likely benign for Hypercholesterolemia, autosomal dominant, 3. Last evaluated: 2024-09-23. Review status: criteria provided, single submitter. Criteria: ACMG Guidelines, 2015. Collection method: clinical testing. Allele origin: germline. Inheritance: Autosomal dominant inheritance. Observed: 37 variant alleles, 37 heterozygotes.
Comment: This study involves interpretation of variants in research participants for the purpose of population health screening. Participant phenotype was not available at the time of variant classification. Additional details can be found in publication PMID: 35346344, PMCID: PMC8962531

CeGaT Center for Human Genetics Tuebingen
Classification: Likely benign. Last evaluated: 2023-09-01. Review status: criteria provided, single submitter. Criteria: CeGaT Center For Human Genetics Tuebingen Variant Classification Criteria Version 2. Collection method: clinical testing. Allele origin: germline. Affected: yes. Observed: 1 variant allele.
Comment: PCSK9: BS1

Ambry Genetics
Classification: Likely benign for Cardiovascular phenotype. Last evaluated: 2023-08-28. Review status: criteria provided, single submitter. Criteria: Ambry Variant Classification Scheme 2023. Collection method: clinical testing. Allele origin: germline.

Women's Health and Genetics/Laboratory Corporation of America, LabCorp
Classification: Likely benign. Last evaluated: 2023-07-18. Review status: criteria provided, single submitter. Criteria: LabCorp Variant Classification Summary - May 2015. Collection method: clinical testing. Allele origin: germline.

Color Diagnostics, LLC DBA Color Health
Classification: Likely benign for Familial hypercholesterolemia. Last evaluated: 2018-11-14. Review status: criteria provided, single submitter. Criteria: ACMG Guidelines, 2015. Collection method: clinical testing. Allele origin: germline.
Comment: Variant of Uncertain Significance due to insufficient evidence: This variant is a missense variant located in the catalytic peptidase domain of the PCSK9 protein. Computational prediction tools and conservation analyses are inconclusive regarding the impact of this variant on the protein function. Computational splicing tools suggest that this variant may not impact the RNA splicing. To our knowledge, functional assays have not been performed for this variant nor has the variant been reported in individuals affected with familial hypercholesterolemia in the literature. This variant is fairly common in the general African population and has been identified in 36/23294 African chromosomes by the Genome Aggregation Database (gnomAD). Available evidence is insufficient to determine the pathogenicity of this variant conclusively.

Clinical Genetics, Academic Medical Center
Classification: Uncertain significance. Review status: no assertion criteria provided. Collection method: clinical testing. Allele origin: germline. Affected: yes. Study: VKGL Data-share Consensus. Not counted in ClinVar's aggregate classification.

Diagnostic Laboratory, Department of Genetics, University Medical Center Groningen
Classification: Uncertain significance. Review status: no assertion criteria provided. Collection method: clinical testing. Allele origin: germline. Affected: yes. Study: VKGL Data-share Consensus. Not counted in ClinVar's aggregate classification.

NM_174936.4(PCSK9):c.847C>A (p.Leu283Met)

Gene: PCSK9 (proprotein convertase subtilisin/kexin type 9; plus strand). Cytogenetic location: 1p32.3.
Variant type: single nucleotide variant.
Coding change: c.847C>A on transcript NM_174936.4 (MANE Select); coding-DNA position 847, C replaced by A.
Protein change: p.Leu283Met; replaces leucine 283 with methionine.
Molecular consequence: missense variant.
Genome position (GRCh38, 1-based): chr1:55,056,040, C>A. VCF-style: chr1-55056040-C-A. GRCh37 (hg19) VCF-style: chr1-55521713-C-A.
Other names: c.970C>A, p.Leu324Met (NM_001407240.1); c.847C>A, p.Leu283Met (NM_001407241.1, NM_001407244.1, NM_001407247.1); c.850C>A, p.Leu284Met (NM_001407242.1); c.790C>A, p.Leu264Met (NM_001407243.1); c.655C>A, p.Leu219Met (NM_001407245.1); c.472C>A, p.Leu158Met (NM_001407246.1); short protein forms L283M, L219M, L158M, L264M, L324M, L284M.
Identifiers: ClinVar variation 297696 (VCV000297696.58), dbSNP rs72646510, ClinGen allele CA044851.